The following is an entry in ClinVar:

ClinVar aggregate classification (germline): Likely benign. Review status: criteria provided, multiple submitters, no conflicts (2 of 4 stars). 2 submissions from 2 submitters: Likely benign (2). Last evaluated 2023-09-30.

Allele frequency attached by ClinVar (database versions not stated): gnomAD exomes below 0.00001; TOPMed below 0.00001.
gnomAD v4.1: 7 of 1,614,184 alleles (0.00043%); highest among the groups gnomAD compares: African/African-American, 0.0027%; no homozygotes.

Submissions (2):

Labcorp Genetics (formerly Invitae), Labcorp
Classification: Likely benign. Last evaluated: 2023-09-30. Review status: criteria provided, single submitter. Criteria: Invitae Variant Classification Sherloc (09022015). Collection method: clinical testing. Allele origin: germline.

CeGaT Center for Human Genetics Tuebingen
Classification: Likely benign. Last evaluated: 2023-07-01. Review status: criteria provided, single submitter. Criteria: CeGaT Center For Human Genetics Tuebingen Variant Classification Criteria Version 2. Collection method: clinical testing. Allele origin: germline. Affected: yes. Observed: 1 variant allele.
Comment: SMARCA2: BP4, BP7

NM_003070.5(SMARCA2):c.2604C>T (p.Asn868=)

Gene: SMARCA2 (SWI/SNF related BAF chromatin remodeling complex subunit ATPase 2; plus strand). Cytogenetic location: 9p24.3.
Variant type: single nucleotide variant.
Coding change: c.2604C>T on transcript NM_003070.5 (MANE Select); coding-DNA position 2604, C replaced by T.
Protein change: p.Asn868=; no amino-acid change (asparagine 868 retained).
Molecular consequence: synonymous variant. On other transcripts: intron variant (1).
Genome position (GRCh38, 1-based): chr9:2,086,906, C>T. VCF-style: chr9-2086906-C-T. GRCh37 (hg19) VCF-style: chr9-2086906-C-T.
Other names: c.2604C>T, p.Asn868= (NM_001289396.2, NM_139045.4); c.2595+9C>T (NM_001289397.2).
Identifiers: ClinVar variation 2579056 (VCV002579056.27), dbSNP rs1184149897, ClinGen allele CA463711418.